The following is an entry in ClinVar:

ClinVar aggregate classification (germline): Uncertain significance (1 of 4 stars; one submission).

Submission:

GeneDx
Classification: Uncertain significance. Last evaluated: 2025-05-27. Review status: criteria provided, single submitter. Criteria: GeneDx Variant Classification Process June 2021. Collection method: clinical testing. Allele origin: germline. Affected: yes.
Comment: Not observed at significant frequency in large population cohorts (gnomAD); In silico analysis suggests that this missense variant does not alter protein structure/function; Has not been previously published as pathogenic or benign to our knowledge

NM_004415.4(DSP):c.3365A>G (p.Lys1122Arg)

Gene: DSP (desmoplakin; plus strand). Cytogenetic location: 6p24.3.
Variant type: single nucleotide variant.
Coding change: c.3365A>G on transcript NM_004415.4 (MANE Select); coding-DNA position 3365, A replaced by G.
Protein change: p.Lys1122Arg; replaces lysine 1122 with arginine.
Molecular consequence: missense variant.
Genome position (GRCh38, 1-based): chr6:7,579,555, A>G. VCF-style: chr6-7579555-A-G. GRCh37 (hg19) VCF-style: chr6-7579788-A-G.
Other names: c.3365A>G, p.Lys1122Arg (NM_001008844.3, NM_001319034.2); short protein forms K1122R.
Identifiers: ClinVar variation 4532462 (VCV004532462.1).